The following is an entry in ClinVar:

NM_001388303.1(HECTD4):c.12788G>A (p.Arg4263Gln)

Gene: HECTD4 (HECT domain E3 ubiquitin protein ligase 4; minus strand). Cytogenetic location: 12q24.13.
Variant type: single nucleotide variant.
Coding change: c.12788G>A on transcript NM_001388303.1 (MANE Select); coding-DNA position 12788, G replaced by A.
Protein change: p.Arg4263Gln; replaces arginine 4263 with glutamine.
Molecular consequence: missense variant.
Genome position (GRCh38, 1-based): chr12:112,163,651, C>T on the plus strand (G>A on the coding strand, the complement: HECTD4 is on the minus strand). VCF-style: chr12-112163651-C-T. GRCh37 (hg19) VCF-style: chr12-112601455-C-T.
Other names: c.12818G>A, p.Arg4273Gln (NM_001109662.4); short protein forms R4263Q, R4273Q.
Identifiers: ClinVar variation 2213197 (VCV002213197.3), dbSNP rs181634938, ClinGen allele CA6795543.

ClinVar aggregate classification (germline): Uncertain significance. Review status: criteria provided, multiple submitters, no conflicts (2 of 4 stars). 2 submissions from 2 submitters: Uncertain significance (2). Last evaluated 2025-09-04.

Conditions:
Neurodevelopmental disorder with seizures, spasticity, and complete or partial agenesis of the corpus callosum (NEDSSCC). Identifiers: MedGen C5830296, MONDO:0859516, OMIM 620250.

Allele frequency attached by ClinVar (database versions not stated): gnomAD exomes 0.00016; ExAC 0.00027; 1000 Genomes Project 30x 0.00031; TOPMed 0.00031; 1000 Genomes Project 0.00040; ESP Exome Variant Server 0.00011.
gnomAD v4.1: 273 of 1,540,968 alleles (0.018%); highest among the groups gnomAD compares: Admixed American, 0.17%; 1 homozygote.

Submissions (2):

Genetics Department, Catlab
Classification: Uncertain significance for Neurodevelopmental disorder with seizures, spasticity, and complete or partial agenesis of the corpus callosum. Last evaluated: 2025-09-04. Review status: criteria provided, single submitter. Criteria: ACMG Guidelines, 2015. Collection method: clinical testing. Allele origin: germline. Affected: yes. Observed: 1 variant allele.
Comment: The c.12788G>A missense variant alters the protein at position 4273, changing the arginine at that position to glutamine. This change is extremely rare in gnomAD v4.1 (AF=0.0001772) (PM2_moderate) and the missense z-score for the HECTD4 gene is 8.63 (PP2_supporting). With all the available evidence, the variant is classified as of uncertain significance.

Ambry Genetics
Classification: Uncertain significance. Last evaluated: 2022-12-05. Review status: criteria provided, single submitter. Criteria: Ambry Variant Classification Scheme 2023. Collection method: clinical testing. Allele origin: germline.